The following is an entry in ClinVar:

NM_006904.7(PRKDC):c.6441C>G (p.Ala2147=)

Gene: PRKDC (protein kinase, DNA-activated, catalytic subunit; minus strand). Cytogenetic location: 8q11.21.
Variant type: single nucleotide variant.
Coding change: c.6441C>G on transcript NM_006904.7 (MANE Select); coding-DNA position 6441, C replaced by G.
Protein change: p.Ala2147=; no amino-acid change (alanine 2147 retained).
Molecular consequence: synonymous variant.
Genome position (GRCh38, 1-based): chr8:47,858,540, G>C on the plus strand (C>G on the coding strand, the complement: PRKDC is on the minus strand). VCF-style: chr8-47858540-G-C. GRCh37 (hg19) VCF-style: chr8-48771101-G-C.
Other names: c.6441C>G, p.Ala2147= (NM_001081640.2).
Identifiers: ClinVar variation 475234 (VCV000475234.36), dbSNP rs376156239, ClinGen allele CA4740353.
Genomic context (GRCh38, chr8:47,858,540, plus strand): 5'-TCTATTCAAAGAATAAAGAAATAATCAATTACTTACCTCTTCTGTATTAATAACAAGCTT[G>C]GCTAAGAAGAGACGGATATTTAATGGTACTATTGGATTTCCCAGTTTGCCATGGAGGAAT-3'
Protein context (NP_008835.5, residues 2137-2157): IVPLNIRLFL[Ala2147=]KLVINTEEVF

ClinVar aggregate classification (germline): Benign/Likely benign. Review status: criteria provided, multiple submitters, no conflicts (2 of 4 stars). 3 submissions from 3 submitters: Benign (1); Likely benign (2). Last evaluated 2026-01-28.

Conditions:
Severe combined immunodeficiency due to DNA-PKcs deficiency. Also called: IMMUNODEFICIENCY 26 WITH NEUROLOGIC ABNORMALITIES; Immunodeficiency 26 with or without neurologic abnormalities. Identifiers: Orphanet 317425, MedGen C4014833, MONDO:0014423, OMIM 615966.

Allele frequency attached by ClinVar (database versions not stated): gnomAD below 0.00001 and 0.00034; TOPMed 0.00005; gnomAD exomes 0.00050 and 0.00106; 1000 Genomes Project 0.00220; 1000 Genomes Project 30x 0.00312; ExAC 0.00380.
gnomAD v4.1: 750 of 1,526,380 alleles (0.049%); highest among the groups gnomAD compares: South Asian, 0.87%; 12 homozygotes.

Submissions (3):

Labcorp Genetics (formerly Invitae), Labcorp
Classification: Benign for Severe combined immunodeficiency due to DNA-PKcs deficiency. Last evaluated: 2026-01-28. Review status: criteria provided, single submitter. Criteria: Invitae Variant Classification Sherloc (09022015). Collection method: clinical testing. Allele origin: germline.

CeGaT Center for Human Genetics Tuebingen
Classification: Likely benign. Last evaluated: 2025-06-01. Review status: criteria provided, single submitter. Criteria: CeGaT Center For Human Genetics Tuebingen Variant Classification Criteria Version 2. Collection method: clinical testing. Allele origin: germline. Affected: yes. Observed: 3 variant alleles.
Comment: PRKDC: BP4, BP7, BS2

Blueprint Genetics
Classification: Likely benign. Last evaluated: 2024-11-13. Review status: criteria provided, single submitter. Criteria: ACMG Guidelines, 2015. Collection method: clinical testing. Allele origin: germline.